The following is an entry in ClinVar:

NM_000135.4(FANCA):c.1826+3A>G

Gene: FANCA (FA complementation group A; minus strand). Cytogenetic location: 16q24.3.
Variant type: single nucleotide variant.
Coding change: c.1826+3A>G on transcript NM_000135.4 (MANE Select); 3 bases into the intron after coding-DNA position 1826, A replaced by G.
Molecular consequence: intron variant.
Genome position (GRCh38, 1-based): chr16:89,778,798, T>C on the plus strand (A>G on the coding strand, the complement: FANCA is on the minus strand). VCF-style: chr16-89778798-T-C. GRCh37 (hg19) VCF-style: chr16-89845206-T-C.
Other names: c.1826+3A>G (NM_001286167.3).
Identifiers: ClinVar variation 1404177 (VCV001404177.6), dbSNP rs925559826, ClinGen allele CA286573912.
Genomic context (GRCh38, chr16:89,778,798, plus strand): 5'-AATTCTTCGCATTGTCAGAAGAAACCTGGAAGTAGTCATCCCCTTCTAACCGTTGCTGCA[T>C]ACCTCTTCAGAGACTCTATAAACGCCACACGGGAGTCAGGGACTTTGGGGAGCTGTGGGA-3'

ClinVar aggregate classification (germline): Uncertain significance (1 of 4 stars; one submission).

Conditions:
Fanconi anemia (FA). Also called: Fanconi's anemia. Identifiers: Orphanet 84, MedGen C0015625, MeSH D005199, MONDO:0019391.

Allele frequency attached by ClinVar (database versions not stated): gnomAD exomes below 0.00001.
gnomAD v4.1: 1 of 1,613,954 alleles (0.000062%); highest among the groups gnomAD compares: Admixed American, 0.0017%; no homozygotes.

Submission:

Labcorp Genetics (formerly Invitae), Labcorp
Classification: Uncertain significance for Fanconi anemia. Last evaluated: 2023-12-11. Review status: criteria provided, single submitter. Criteria: Invitae Variant Classification Sherloc (09022015). Collection method: clinical testing. Allele origin: germline.
Comment: This sequence change falls in intron 20 of the FANCA gene. It does not directly change the encoded amino acid sequence of the FANCA protein. It affects a nucleotide within the consensus splice site. This variant is not present in population databases (gnomAD no frequency). This variant has not been reported in the literature in individuals affected with FANCA-related conditions. ClinVar contains an entry for this variant (Variation ID: 1404177). Variants that disrupt the consensus splice site are a relatively common cause of aberrant splicing (PMID: 17576681, 9536098). Algorithms developed to predict the effect of sequence changes on RNA splicing suggest that this variant may disrupt the consensus splice site. In summary, the available evidence is currently insufficient to determine the role of this variant in disease. Therefore, it has been classified as a Variant of Uncertain Significance.

Literature cited by the submitters: PubMed 17576681; PubMed 9536098.